The following is an entry in ClinVar:

ClinVar aggregate classification (germline): Uncertain significance (1 of 4 stars; one submission).

Submission:

Women's Health and Genetics/Laboratory Corporation of America, LabCorp
Classification: Uncertain significance. Last evaluated: 2023-09-11. Review status: criteria provided, single submitter. Criteria: LabCorp Variant Classification Summary - May 2015. Collection method: clinical testing. Allele origin: germline.
Comment: Variant summary: DNM1L c.889A>T (p.Ile297Phe) results in a non-conservative amino acid change located in the stalk domain (IPR000375) and GTPase domain (IPR001401) of the encoded protein sequence. Five of five in-silico tools predict a damaging effect of the variant on protein function. The variant was absent in 250620 control chromosomes (gnomAD). These data suggest the variant may be associated with disease. To our knowledge, no experimental evidence demonstrating an impact on protein function has been reported. No submitters have reported clinical-significance assessments for this variant to ClinVar after 2014. Based on the evidence outlined above, the variant was classified as VUS-possibly pathogenic.

NM_012062.5(DNM1L):c.889A>T (p.Ile297Phe)

Gene: DNM1L (dynamin 1 like; plus strand). Cytogenetic location: 12p11.21.
Variant type: single nucleotide variant.
Coding change: c.889A>T on transcript NM_012062.5 (MANE Select); coding-DNA position 889, A replaced by T.
Protein change: p.Ile297Phe; replaces isoleucine 297 with phenylalanine.
Molecular consequence: missense variant.
Genome position (GRCh38, 1-based): chr12:32,722,443, A>T. VCF-style: chr12-32722443-A-T. GRCh37 (hg19) VCF-style: chr12-32875377-A-T.
Other names: c.889A>T, p.Ile297Phe (NM_001278463.2, NM_005690.5, NM_012063.4); c.928A>T, p.Ile310Phe (NM_001278464.2, NM_001278465.2, NM_001330380.2); c.280A>T, p.Ile94Phe (NM_001278466.2); short protein forms I297F, I310F, I94F.
Identifiers: ClinVar variation 2627185 (VCV002627185.1), dbSNP rs2541045651, ClinGen allele CA384370123.